The following is an entry in ClinVar:

NM_000135.4(FANCA):c.1046C>A (p.Ala349Glu)

Gene: FANCA (FA complementation group A; minus strand). Cytogenetic location: 16q24.3.
Variant type: single nucleotide variant.
Coding change: c.1046C>A on transcript NM_000135.4 (MANE Select); coding-DNA position 1046, C replaced by A.
Protein change: p.Ala349Glu; replaces alanine 349 with glutamic acid.
Molecular consequence: missense variant.
Genome position (GRCh38, 1-based): chr16:89,792,508, G>T on the plus strand (C>A on the coding strand, the complement: FANCA is on the minus strand). VCF-style: chr16-89792508-G-T. GRCh37 (hg19) VCF-style: chr16-89858916-G-T.
Other names: c.1046C>A, p.Ala349Glu (NM_001286167.3); c.1046C>A (NM_000135.2); short protein forms A349E.
Identifiers: ClinVar variation 1475478 (VCV001475478.6), dbSNP rs142620413, ClinGen allele CA397466723.
Genomic context (GRCh38, chr16:89,792,508, plus strand): 5'-GGTATAATACCACATCCACTCACCCTGCGGTACAGTGAGGTGAGCAGAGGGTGTGTCCGC[G>T]CAAAGCTCCACTCTCTCTGCATCTGAACAGCATCAGATGCTGCAGGGGGAGAAACAGACA-3'
Protein context (NP_000126.2, residues 339-359): AVQMQREWSF[Ala349Glu]RTHPLLTSLY

ClinVar aggregate classification (germline): Uncertain significance. Review status: criteria provided, multiple submitters, no conflicts (2 of 4 stars). 2 submissions from 2 submitters: Uncertain significance (2). Last evaluated 2026-03-02.

Conditions:
Inborn genetic diseases. Identifiers: MedGen C0950123, MeSH D030342.
Fanconi anemia (FA). Also called: Fanconi's anemia. Identifiers: Orphanet 84, MedGen C0015625, MeSH D005199, MONDO:0019391.

Submissions (2):

Ambry Genetics
Classification: Uncertain significance for Inborn genetic diseases. Last evaluated: 2026-03-02. Review status: criteria provided, single submitter. Criteria: Ambry Variant Classification Scheme 2023. Collection method: clinical testing. Allele origin: germline.
Comment: The p.A349E variant (also known as c.1046C>A), located in coding exon 12 of the FANCA gene, results from a C to A substitution at nucleotide position 1046. The alanine at codon 349 is replaced by glutamic acid, an amino acid with dissimilar properties. This amino acid position is conserved. In addition, the in silico prediction for this alteration is inconclusive. Based on the available evidence, the clinical significance of this variant remains unclear.

Labcorp Genetics (formerly Invitae), Labcorp
Classification: Uncertain significance for Fanconi anemia. Last evaluated: 2021-09-24. Review status: criteria provided, single submitter. Criteria: Invitae Variant Classification Sherloc (09022015). Collection method: clinical testing. Allele origin: germline.
Comment: This sequence change replaces alanine with glutamic acid at codon 349 of the FANCA protein (p.Ala349Glu). The alanine residue is moderately conserved and there is a moderate physicochemical difference between alanine and glutamic acid. This variant is not present in population databases (ExAC no frequency). This variant has not been reported in the literature in individuals with FANCA-related conditions. Advanced modeling of protein sequence and biophysical properties (such as structural, functional, and spatial information, amino acid conservation, physicochemical variation, residue mobility, and thermodynamic stability) performed at Invitae indicates that this missense variant is not expected to disrupt FANCA protein function. In summary, the available evidence is currently insufficient to determine the role of this variant in disease. Therefore, it has been classified as a Variant of Uncertain Significance.